The following is an entry in ClinVar:

NM_001457.4(FLNB):c.3282_3283insAGCA (p.Cys1095fs)

Gene: FLNB (filamin B; plus strand). Cytogenetic location: 3p14.3.
Variant type: Insertion.
Coding change: c.3282_3283insAGCA on transcript NM_001457.4 (MANE Select); coding-DNA positions 3282 to 3283, AGCA inserted.
Protein change: p.Cys1095fs; shifts the reading frame from cysteine 1095.
Molecular consequence: frameshift variant.
Genome position: GRCh38 VCF-style: chr3-58123248-C-CAGCA. GRCh37 (hg19) VCF-style: chr3-58108975-C-CAGCA.
Other names: c.3282_3283insAGCA, p.Cys1095fs (NM_001164317.2, NM_001164318.2, NM_001164319.2); short protein forms C1095fs.
Identifiers: ClinVar variation 3366935 (VCV003366935.1).
Genomic context (GRCh38, chr3:58,123,248, plus strand): 5'-CTTAACGGTGGAAGGTCCGTGCGAGGCCAAAATCGAGTGCTCCGACAATGGTGATGGGAC[C>CAGCA]TGCTCCGTCTCTTACCTTCCCACAAAACCCGGGGAGTACTTCGTCAACATCCTCTTTGAA-3'

ClinVar aggregate classification (germline): Likely pathogenic (1 of 4 stars; one submission).

Conditions:
Spondylocarpotarsal synostosis syndrome (SCT). Also called: Spondylocarpotarsal Synostosis Syndrome (FLNB-SCT); Synspondylism congenital; Scoliosis, congenital with unilateral unsegmented bar; SPONDYLOCARPOTARSAL SYNDROME; VERTEBRAL FUSION WITH CARPAL COALITION. Identifiers: Orphanet 3275, MedGen C1848934, MONDO:0010094, OMIM 272460.

Submission:

Institute of Immunology and Genetics Kaiserslautern
Classification: Likely pathogenic for Spondylocarpotarsal synostosis syndrome. Last evaluated: 2022-07-08. Review status: criteria provided, single submitter. Criteria: ACMG Guidelines, 2015. Collection method: clinical testing. Allele origin: germline.
Comment: ACMG Criteria: PVS1, PM2; Variant was found in heterozygous state.